The following is an entry in ClinVar:

ClinVar aggregate classification (germline): Uncertain significance (1 of 4 stars; one submission).

Submission:

GeneDx
Classification: Uncertain significance. Last evaluated: 2024-11-11. Review status: criteria provided, single submitter. Criteria: GeneDx Variant Classification Process June 2021. Collection method: clinical testing. Allele origin: germline. Affected: yes.
Comment: Not observed at significant frequency in large population cohorts (gnomAD); In-frame deletion of 1 amino acid(s) in a non-repeat region; In silico analysis supports a deleterious effect on protein structure/function; Has not been previously published as pathogenic or benign to our knowledge

NM_005754.3(G3BP1):c.1146TGT[1] (p.Val384del)

Gene: G3BP1 (G3BP stress granule assembly factor 1; plus strand). Cytogenetic location: 5q33.1.
Variant type: Microsatellite.
Coding change: c.1146TGT[1] on transcript NM_005754.3 (MANE Select); one copy of the 3-base unit TGT starting at c.1146; the reference has two copies in a row; one copy, 3 bases deleted.
Protein change: p.Val384del; deletes valine 384.
Molecular consequence: inframe deletion.
Genome position (GRCh38, 1-based): chr5:151,800,824-151,800,826, TGT deleted; deleting any 3 consecutive bases within chr5:151,800,820-151,800,826 gives the same sequence; the position shown is the placement nearest the transcript's 3' end. VCF-style (leftmost placement, unchanged base first): chr5-151800819-TTTG-T. GRCh37 (hg19) VCF-style: chr5-151180380-TTTG-T.
Other names: c.1146TGT[1], p.Val384del (NM_198395.2); short protein forms V384del.
Identifiers: ClinVar variation 3899559 (VCV003899559.1).
Genomic context (GRCh38, chr5:151,800,819, plus strand): 5'-GGTTATGGAAACGTGGTGGAGTTGCGCATTAACAGTGGTGGGAAATTACCCAATTTTGGT[TTTG>T]TTGTGTTTGATGATTCTGAGCCTGTTCAGAAAGTCCTTAGCAACAGGGTAAGCAGCTTTT-3'